The following is an entry in ClinVar:

ClinVar aggregate classification (germline): Pathogenic (1 of 4 stars; one submission).

Conditions:
Rubinstein-Taybi syndrome (RSTS). Identifiers: Orphanet 783, MedGen C0035934, MONDO:0019188.

Submission:

Labcorp Genetics (formerly Invitae), Labcorp
Classification: Pathogenic for Rubinstein-Taybi syndrome. Last evaluated: 2022-08-09. Review status: criteria provided, single submitter. Criteria: Invitae Variant Classification Sherloc (09022015). Collection method: clinical testing. Allele origin: germline.
Comment: ClinVar contains an entry for this variant (Variation ID: 1459112). Algorithms developed to predict the effect of sequence changes on RNA splicing suggest that this variant may disrupt the consensus splice site. For these reasons, this variant has been classified as Pathogenic. This sequence change affects an acceptor splice site in intron 27 of the CREBBP gene. It is expected to disrupt RNA splicing. Variants that disrupt the donor or acceptor splice site typically lead to a loss of protein function (PMID: 16199547), and loss-of-function variants in CREBBP are known to be pathogenic (PMID: 17052327, 18792986). This variant is not present in population databases (gnomAD no frequency). Disruption of this splice site has been observed in individuals with Rubinstein-Taybi syndrome (Invitae).

Literature cited by the submitters: PubMed 16199547; PubMed 17052327; PubMed 18792986.

NM_004380.3(CREBBP):c.4561-2A>T

Gene: CREBBP (CREB binding lysine acetyltransferase; minus strand). Cytogenetic location: 16p13.3.
Variant type: single nucleotide variant.
Coding change: c.4561-2A>T on transcript NM_004380.3 (MANE Select); the canonical splice acceptor site of the intron before coding-DNA position 4561, A replaced by T.
Molecular consequence: splice acceptor variant.
Genome position (GRCh38, 1-based): chr16:3,736,205, T>A on the plus strand (A>T on the coding strand, the complement: CREBBP is on the minus strand). VCF-style: chr16-3736205-T-A. GRCh37 (hg19) VCF-style: chr16-3786206-T-A.
Other names: c.4447-2A>T (NM_001079846.1).
Identifiers: ClinVar variation 1459112 (VCV001459112.6), dbSNP rs2151327978, ClinGen allele CA394563131.
Genomic context (GRCh38, chr16:3,736,205, plus strand): 5'-AAATAGGGCAGTTCCTTGGCACTGGTGAGCCTGTCTTCAGTTGCTTGTTTGAAAATATCC[T>A]GAGTGGGCAAAGCACAACAGTGAGATGAGGGCCATGCACGCGTGCCCCCCACCATGGTGC-3'